The following is an entry in ClinVar:

ClinVar aggregate classification (germline): Conflicting classifications of pathogenicity. Review status: criteria provided, conflicting classifications (1 of 4 stars). 3 submissions from 3 submitters: Uncertain significance (1); Likely benign (2). Last evaluated 2025-11-11.

Conditions:
Dystonic disorder. Also called: Dystonia. Identifiers: MedGen C0013421, MONDO:0003441, HP:0001332.

Allele frequency attached by ClinVar (database versions not stated): gnomAD 0.00005; ExAC 0.00022.
gnomAD v4.1: 45 of 1,613,954 alleles (0.0028%); highest among the groups gnomAD compares: East Asian, 0.096%; no homozygotes.

Submissions (3):

Labcorp Genetics (formerly Invitae), Labcorp
Classification: Likely benign for Dystonic disorder. Last evaluated: 2025-11-11. Review status: criteria provided, single submitter. Criteria: Invitae Variant Classification Sherloc (09022015). Collection method: clinical testing. Allele origin: germline.

CeGaT Center for Human Genetics Tuebingen
Classification: Likely benign. Last evaluated: 2025-11-01. Review status: criteria provided, single submitter. Criteria: CeGaT Center For Human Genetics Tuebingen Variant Classification Criteria Version 2. Collection method: clinical testing. Allele origin: germline. Affected: yes. Observed: 1 variant allele.
Comment: CIZ1: BP4

Revvity Omics, Revvity
Classification: Uncertain significance. Last evaluated: 2021-05-07. Review status: criteria provided, single submitter. Criteria: ACMG Guidelines, 2015. Collection method: clinical testing. Allele origin: germline.

NM_001131016.2(CIZ1):c.703C>T (p.Pro235Ser)

Gene: CIZ1 (CDKN1A interacting zinc finger protein 1; minus strand). Cytogenetic location: 9q34.11.
Variant type: single nucleotide variant.
Coding change: c.703C>T on transcript NM_001131016.2 (MANE Select); coding-DNA position 703, C replaced by T.
Protein change: p.Pro235Ser; replaces proline 235 with serine.
Molecular consequence: missense variant.
Genome position (GRCh38, 1-based): chr9:128,180,503, G>A on the plus strand (C>T on the coding strand, the complement: CIZ1 is on the minus strand). VCF-style: chr9-128180503-G-A. GRCh37 (hg19) VCF-style: chr9-130942782-G-A.
Other names: c.703C>T, p.Pro235Ser (NM_001131015.2, NM_012127.3); c.688C>T, p.Pro230Ser (NM_001131017.2); c.631C>T, p.Pro211Ser (NM_001131018.2); c.793C>T, p.Pro265Ser (NM_001257975.2); c.400C>T, p.Pro134Ser (NM_001257976.2); short protein forms P134S, P211S, P230S, P235S, P265S.
Identifiers: ClinVar variation 2688786 (VCV002688786.10), dbSNP rs773783827, ClinGen allele CA5257485.
Genomic context (GRCh38, chr9:128,180,503, plus strand): 5'-ACGCCTCACAAGGCTCAGGCTCAGGTGCTGGAGTGCGTTTTTCCTTGGCGATGTCCTCTG[G>A]GCAGGGCGGTAAATCTTGGTCTGGAATGGAGGCATGAGCGAGGGAACTCATGTTGGGAAG-3'
Protein context (NP_001124488.1, residues 225-245): TPEDQDLPPC[Pro235Ser]EDIAKEKRTP